The following is an entry in ClinVar:

ClinVar aggregate classification (germline): Uncertain significance. Review status: criteria provided, multiple submitters, no conflicts (2 of 4 stars). 2 submissions from 2 submitters: Uncertain significance (2). Last evaluated 2024-11-04.

Conditions:
Joubert syndrome 23 (JBTS23). Identifiers: Orphanet 475, MedGen C4084822, MONDO:0014664, OMIM 616490.
Short-rib thoracic dysplasia 14 with polydactyly (SRTD14). Identifiers: Orphanet 397715, MedGen C4225286, MONDO:0014688, OMIM 616546.

Allele frequency attached by ClinVar (database versions not stated): gnomAD 0.00001; gnomAD exomes 0.00001; ExAC 0.00004; TOPMed 0.00005.
gnomAD v4.1: 5 of 1,582,408 alleles (0.00032%); highest among the groups gnomAD compares: Non-Finnish European, 0.00043%; no homozygotes.

Submissions (2):

Labcorp Genetics (formerly Invitae), Labcorp
Classification: Uncertain significance for Joubert syndrome 23; Short-rib thoracic dysplasia 14 with polydactyly. Last evaluated: 2024-11-04. Review status: criteria provided, single submitter. Criteria: Invitae Variant Classification Sherloc (09022015). Collection method: clinical testing. Allele origin: germline.
Comment: This sequence change replaces glutamic acid, which is acidic and polar, with glycine, which is neutral and non-polar, at codon 938 of the KIAA0586 protein (p.Glu938Gly). This variant is present in population databases (rs770688785, gnomAD 0.003%). This variant has not been reported in the literature in individuals affected with KIAA0586-related conditions. ClinVar contains an entry for this variant (Variation ID: 1417646). Invitae Evidence Modeling of protein sequence and biophysical properties (such as structural, functional, and spatial information, amino acid conservation, physicochemical variation, residue mobility, and thermodynamic stability) indicates that this missense variant is not expected to disrupt KIAA0586 protein function with a negative predictive value of 80%. In summary, the available evidence is currently insufficient to determine the role of this variant in disease. Therefore, it has been classified as a Variant of Uncertain Significance.

Fulgent Genetics
Classification: Uncertain significance for Joubert syndrome 23; Short-rib thoracic dysplasia 14 with polydactyly. Last evaluated: 2021-09-28. Review status: criteria provided, single submitter. Criteria: ACMG Guidelines, 2015. Collection method: clinical testing. Allele origin: unknown.

NM_001329943.3(KIAA0586):c.2654A>G (p.Glu885Gly)

Gene: KIAA0586 (KIAA0586; plus strand). Cytogenetic location: 14q23.1.
Variant type: single nucleotide variant.
Coding change: c.2654A>G on transcript NM_001329943.3 (MANE Select); coding-DNA position 2654, A replaced by G.
Protein change: p.Glu885Gly; replaces glutamic acid 885 with glycine.
Molecular consequence: missense variant.
Genome position (GRCh38, 1-based): chr14:58,474,626, A>G. VCF-style: chr14-58474626-A-G. GRCh37 (hg19) VCF-style: chr14-58941344-A-G.
Other names: c.2813A>G, p.Glu938Gly (NM_001244189.2); c.2609A>G, p.Glu870Gly (NM_001244190.2); c.2399A>G, p.Glu800Gly (NM_001244191.2, NM_001329945.2, NM_001364700.1 and 1 more transcripts); c.2522A>G, p.Glu841Gly (NM_001244192.2); c.2234A>G, p.Glu745Gly (NM_001244193.2); c.2654A>G, p.Glu885Gly (NM_001329944.2, NM_001329946.2, NM_001329947.2); c.2426A>G, p.Glu809Gly (NM_014749.5); short protein forms E745G, E885G, E938G, E841G, E809G, E870G, E800G.
Identifiers: ClinVar variation 1417646 (VCV001417646.6), dbSNP rs770688785, ClinGen allele CA7205949.